The following is an entry in ClinVar:

ClinVar aggregate classification (germline): Uncertain significance (1 of 4 stars; one submission).

Allele frequency attached by ClinVar (database versions not stated): gnomAD 0.00001; ExAC 0.00002; TOPMed 0.00002.
gnomAD v4.1: 10 of 1,614,082 alleles (0.00062%); highest among the groups gnomAD compares: South Asian, 0.0011%; no homozygotes.

Submission:

GeneDx
Classification: Uncertain significance. Last evaluated: 2023-02-06. Review status: criteria provided, single submitter. Criteria: GeneDx Variant Classification Process June 2021. Collection method: clinical testing. Allele origin: germline. Affected: yes.
Comment: In silico analysis supports that this missense variant does not alter protein structure/function; Has not been previously published as pathogenic or benign to our knowledge

NM_020745.4(AARS2):c.1739G>A (p.Arg580Gln)

Gene: AARS2 (alanyl-tRNA synthetase 2, mitochondrial; minus strand). Cytogenetic location: 6p21.1.
Variant type: single nucleotide variant.
Coding change: c.1739G>A on transcript NM_020745.4 (MANE Select); coding-DNA position 1739, G replaced by A.
Protein change: p.Arg580Gln; replaces arginine 580 with glutamine.
Molecular consequence: missense variant.
Genome position (GRCh38, 1-based): chr6:44,304,658, C>T on the plus strand (G>A on the coding strand, the complement: AARS2 is on the minus strand). VCF-style: chr6-44304658-C-T. GRCh37 (hg19) VCF-style: chr6-44272395-C-T.
Other names: short protein forms R580Q.
Identifiers: ClinVar variation 2574937 (VCV002574937.1), dbSNP rs749217850, ClinGen allele CA3834233.
Genomic context (GRCh38, chr6:44,304,658, plus strand): 5'-GGGTCTGCCGCCCACAGAAATCAGCCTGGGTTGTGATGGAGACTCACCTCTTGCCCTGCC[C>T]GCACCAGGTAGCCACGGTCTGAAGCCTGGCCCCCCTGTTCTGCGTAGAAGTTGGTCCTGT-3'
Protein context (NP_065796.2, residues 570-590): GQASDRGYLV[Arg580Gln]AGQEDVLFPV